The following is an entry in ClinVar:

NM_030665.4(RAI1):c.4645A>G (p.Thr1549Ala)

Gene: RAI1 (retinoic acid induced 1; plus strand). Cytogenetic location: 17p11.2.
Variant type: single nucleotide variant.
Coding change: c.4645A>G on transcript NM_030665.4 (MANE Select); coding-DNA position 4645, A replaced by G.
Protein change: p.Thr1549Ala; replaces threonine 1549 with alanine.
Molecular consequence: missense variant.
Genome position (GRCh38, 1-based): chr17:17,797,593, A>G. VCF-style: chr17-17797593-A-G. GRCh37 (hg19) VCF-style: chr17-17700907-A-G.
Other names: short protein forms T1549A.
Identifiers: ClinVar variation 3653602 (VCV003653602.2).

ClinVar aggregate classification (germline): Uncertain significance (1 of 4 stars; one submission).

Submission:

Labcorp Genetics (formerly Invitae), Labcorp
Classification: Uncertain significance. Last evaluated: 2024-05-16. Review status: criteria provided, single submitter. Criteria: Invitae Variant Classification Sherloc (09022015). Collection method: clinical testing. Allele origin: germline.
Comment: This sequence change replaces threonine, which is neutral and polar, with alanine, which is neutral and non-polar, at codon 1549 of the RAI1 protein (p.Thr1549Ala). This variant is not present in population databases (gnomAD no frequency). This variant has not been reported in the literature in individuals affected with RAI1-related conditions. Advanced modeling of protein sequence and biophysical properties (such as structural, functional, and spatial information, amino acid conservation, physicochemical variation, residue mobility, and thermodynamic stability) performed at Invitae indicates that this missense variant is not expected to disrupt RAI1 protein function with a negative predictive value of 80%. In summary, the available evidence is currently insufficient to determine the role of this variant in disease. Therefore, it has been classified as a Variant of Uncertain Significance.